The following is an entry in ClinVar:

ClinVar aggregate classification (germline): Uncertain significance (1 of 4 stars; one submission).

Submission:

Labcorp Genetics (formerly Invitae), Labcorp
Classification: Uncertain significance. Last evaluated: 2026-01-04. Review status: criteria provided, single submitter. Criteria: Invitae Variant Classification Sherloc (09022015). Collection method: clinical testing. Allele origin: germline.
Comment: This sequence change replaces leucine, which is neutral and non-polar, with methionine, which is neutral and non-polar, at codon 277 of the IFT74 protein (p.Leu277Met). This variant is not present in population databases (gnomAD no frequency). This variant has not been reported in the literature in individuals affected with IFT74-related conditions. An algorithm developed to predict the effect of missense changes on protein structure and function (PolyPhen-2) suggests that this variant is likely to be disruptive. In summary, the available evidence is currently insufficient to determine the role of this variant in disease. Therefore, it has been classified as a Variant of Uncertain Significance.

NM_025103.4(IFT74):c.829C>A (p.Leu277Met)

Gene: IFT74 (intraflagellar transport 74; plus strand). Cytogenetic location: 9p21.2.
Variant type: single nucleotide variant.
Coding change: c.829C>A on transcript NM_025103.4 (MANE Select); coding-DNA position 829, C replaced by A.
Protein change: p.Leu277Met; replaces leucine 277 with methionine.
Molecular consequence: missense variant.
Genome position (GRCh38, 1-based): chr9:27,016,946, C>A. VCF-style: chr9-27016946-C-A. GRCh37 (hg19) VCF-style: chr9-27016944-C-A.
Other names: c.829C>A, p.Leu277Met (NM_001099222.3, NM_001099223.3, NM_001099224.3 and 1 more transcripts); short protein forms L277M.
Identifiers: ClinVar variation 4754001 (VCV004754001.1).